The following is an entry in ClinVar:

NM_004260.4(RECQL4):c.214G>C (p.Ala72Pro)

Gene: RECQL4 (RecQ like helicase 4; minus strand). Cytogenetic location: 8q24.3.
Variant type: single nucleotide variant.
Coding change: c.214G>C on transcript NM_004260.4 (MANE Select); coding-DNA position 214, G replaced by C.
Protein change: p.Ala72Pro; replaces alanine 72 with proline.
Molecular consequence: missense variant.
Genome position (GRCh38, 1-based): chr8:144,517,190, C>G on the plus strand (G>C on the coding strand, the complement: RECQL4 is on the minus strand). VCF-style: chr8-144517190-C-G. GRCh37 (hg19) VCF-style: chr8-145742574-C-G.
Other names: c.214G>C, p.Ala72Pro (NM_001413017.1, NM_001413018.1, NM_001413019.1 and 5 more transcripts); c.-507G>C (NM_001413021.1); c.-858G>C (NM_001413022.1, NM_001413023.1, NM_001413037.1 and 3 more transcripts); c.-755G>C (NM_001413024.1, NM_001413035.1); c.85G>C, p.Ala29Pro (NM_001413025.1); c.-920G>C (NM_001413027.1, NM_001413030.1, NM_001413031.1 and 1 more transcripts); c.-583G>C (NM_001413028.1); c.-817G>C (NM_001413032.1); and 3 more; short protein forms A29P, A72P.
Identifiers: ClinVar variation 2144500 (VCV002144500.5), dbSNP rs1815258229, ClinGen allele CA372692400.

ClinVar aggregate classification (germline): Uncertain significance. Review status: criteria provided, multiple submitters, no conflicts (2 of 4 stars). 2 submissions from 2 submitters: Uncertain significance (2). Last evaluated 2026-06-13.

Conditions:
Inborn genetic diseases. Identifiers: MedGen C0950123, MeSH D030342.
Baller-Gerold syndrome (BGS). Also called: CRANIOSYNOSTOSIS WITH RADIAL DEFECTS. Identifiers: Orphanet 1225, MedGen C0265308, MONDO:0009039, OMIM 218600.

Allele frequency attached by ClinVar (database versions not stated): gnomAD exomes below 0.00001; gnomAD 0.00001.
gnomAD v4.1: 2 of 1,599,402 alleles (0.00013%); highest among the groups gnomAD compares: Non-Finnish European, 0.00017%; no homozygotes.

Submissions (2):

Ambry Genetics
Classification: Uncertain significance for Inborn genetic diseases. Last evaluated: 2026-06-13. Review status: criteria provided, single submitter. Criteria: Ambry Variant Classification Scheme 2023. Collection method: clinical testing. Allele origin: germline.
Comment: The p.A72P variant (also known as c.214G>C) is located in coding exon 4 of the RECQL4 gene. The alanine at codon 72 is replaced by proline, an amino acid with highly similar properties. This change occurs in the first base pair of coding exon 4. This amino acid position is conserved. In addition, this alteration is predicted to be tolerated by in silico analysis. Based on the available evidence, the clinical significance of this variant remains unclear.

Labcorp Genetics (formerly Invitae), Labcorp
Classification: Uncertain significance for Baller-Gerold syndrome. Last evaluated: 2022-05-29. Review status: criteria provided, single submitter. Criteria: Invitae Variant Classification Sherloc (09022015). Collection method: clinical testing. Allele origin: germline.
Comment: This sequence change replaces alanine, which is neutral and non-polar, with proline, which is neutral and non-polar, at codon 72 of the RECQL4 protein (p.Ala72Pro). This variant is not present in population databases (gnomAD no frequency). This variant has not been reported in the literature in individuals affected with RECQL4-related conditions. Experimental studies and prediction algorithms are not available or were not evaluated, and the functional significance of this variant is currently unknown. In summary, the available evidence is currently insufficient to determine the role of this variant in disease. Therefore, it has been classified as a Variant of Uncertain Significance.